The following is an entry in ClinVar:

ClinVar aggregate classification (germline): Uncertain significance (1 of 4 stars; one submission).

Conditions:
Chédiak-Higashi syndrome (CHS). Also called: Chediak-Higashi Syndrome. Identifiers: Orphanet 167, MedGen C0007965, MONDO:0008963, OMIM 214500.

Submission:

Labcorp Genetics (formerly Invitae), Labcorp
Classification: Uncertain significance for Chédiak-Higashi syndrome. Last evaluated: 2022-01-11. Review status: criteria provided, single submitter. Criteria: Invitae Variant Classification Sherloc (09022015). Collection method: clinical testing. Allele origin: germline.
Comment: This sequence change replaces aspartic acid, which is acidic and polar, with glutamic acid, which is acidic and polar, at codon 2567 of the LYST protein (p.Asp2567Glu). In summary, the available evidence is currently insufficient to determine the role of this variant in disease. Therefore, it has been classified as a Variant of Uncertain Significance. Algorithms developed to predict the effect of missense changes on protein structure and function are either unavailable or do not agree on the potential impact of this missense change (SIFT: "Tolerated"; PolyPhen-2: "Probably Damaging"; Align-GVGD: "Class C0"). This variant has not been reported in the literature in individuals affected with LYST-related conditions. This variant is not present in population databases (gnomAD no frequency).

NM_000081.4(LYST):c.7701C>G (p.Asp2567Glu)

Gene: LYST (lysosomal trafficking regulator; minus strand). Cytogenetic location: 1q42.3.
Variant type: single nucleotide variant.
Coding change: c.7701C>G on transcript NM_000081.4 (MANE Select); coding-DNA position 7701, C replaced by G.
Protein change: p.Asp2567Glu; replaces aspartic acid 2567 with glutamic acid.
Molecular consequence: missense variant.
Genome position (GRCh38, 1-based): chr1:235,751,289, G>C on the plus strand (C>G on the coding strand, the complement: LYST is on the minus strand). VCF-style: chr1-235751289-G-C. GRCh37 (hg19) VCF-style: chr1-235914589-G-C.
Other names: c.7701C>G, p.Asp2567Glu (NM_001301365.1); short protein forms D2567E.
Identifiers: ClinVar variation 1419027 (VCV001419027.5), dbSNP rs2527713326, ClinGen allele CA344929576.
Genomic context (GRCh38, chr1:235,751,289, plus strand): 5'-TTGAACTACTGCATGATGGGGAGCAGAAGGTGACTGGAGTGAATCTGTGAGGTTTTCAGA[G>C]TCATGATTTGCGGTGGTCCTTATAAATTCCATAGCAGCCTGGAGAACTCTAAGCTGTAGT-3'
Protein context (NP_000072.2, residues 2557-2577): MEFIRTTANH[Asp2567Glu]SENLTDSLQS